The following is an entry in ClinVar:

ClinVar aggregate classification (germline): Benign/Likely benign. Review status: criteria provided, multiple submitters, no conflicts (2 of 4 stars). 9 submissions from 9 submitters: Benign (1); Likely benign (8). Last evaluated 2025-12-24.

Conditions:
Classic or attenuated familial adenomatous polyposis. Identifiers: MedGen CN372698, MONDO:0021057.
APC-related disorder. Also called: APC-related condition.
Hereditary cancer-predisposing syndrome. Also called: Tumor predisposition; Hereditary neoplastic syndrome; Neoplastic Syndromes, Hereditary; Hereditary Cancer Syndrome. Identifiers: Orphanet 140162, MedGen C0027672, MeSH D009386, MONDO:0015356.
Familial adenomatous polyposis 1 (FAP1). Also called: POLYPOSIS, ADENOMATOUS INTESTINAL; FAMILIAL ADENOMATOUS POLYPOSIS 1, ATTENUATED. Identifiers: MedGen C2713442, MONDO:0021056, OMIM 175100. Disease mechanism: loss of function.

Allele frequency attached by ClinVar (database versions not stated): gnomAD exomes below 0.00001; gnomAD 0.00001; TOPMed 0.00001.
gnomAD v4.1: 3 of 1,613,700 alleles (0.00019%); highest among the groups gnomAD compares: East Asian, 0.0045%; no homozygotes.

Submissions (9):

Labcorp Genetics (formerly Invitae), Labcorp
Classification: Likely benign for Familial adenomatous polyposis 1. Last evaluated: 2025-12-24. Review status: criteria provided, single submitter. Criteria: Invitae Variant Classification Sherloc (09022015). Collection method: clinical testing. Allele origin: germline.

PreventionGenetics, part of Exact Sciences
Classification: Likely benign for APC-related condition. Last evaluated: 2025-10-01. Review status: criteria provided, single submitter. Criteria: ACMG Guidelines, 2015. Collection method: clinical testing. Allele origin: germline.
Comment: This variant is classified as likely benign based on ACMG/AMP sequence variant interpretation guidelines (Richards et al. 2015 PMID: 25741868, with internal and published modifications).

All of Us Research Program, National Institutes of Health
Classification: Likely benign for Classic or attenuated familial adenomatous polyposis. Last evaluated: 2024-04-30. Review status: criteria provided, single submitter. Criteria: ACMG Guidelines, 2015. Collection method: clinical testing. Allele origin: germline. Inheritance: Autosomal dominant inheritance. Observed: 2 variant alleles, 2 heterozygotes.
Comment: This study involves interpretation of variants in research participants for the purpose of population health screening. Participant phenotype was not available at the time of variant classification. Additional details can be found in publication PMID: 35346344, PMCID: PMC8962531

Myriad Genetics, Inc.
Classification: Benign for Familial adenomatous polyposis 1. Last evaluated: 2024-04-02. Review status: criteria provided, single submitter. Criteria: Myriad Autosomal Dominant, Autosomal Recessive and X-Linked Classification Criteria (2023). Collection method: clinical testing. Allele origin: unknown.
Comment: This variant is considered benign. This variant is a silent/synonymous amino acid change and it is not expected to impact splicing.

Women's Health and Genetics/Laboratory Corporation of America, LabCorp
Classification: Likely benign. Last evaluated: 2023-03-31. Review status: criteria provided, single submitter. Criteria: LabCorp Variant Classification Summary - May 2015. Collection method: clinical testing. Allele origin: germline.

Quest Diagnostics Nichols Institute San Juan Capistrano
Classification: Likely benign. Last evaluated: 2020-10-22. Review status: criteria provided, single submitter. Criteria: Quest Diagnostics criteria. Collection method: clinical testing. Allele origin: unknown.

GeneDx
Classification: Likely benign. Last evaluated: 2019-01-08. Review status: criteria provided, single submitter. Criteria: GeneDx Variant Classification Process June 2021. Collection method: clinical testing. Allele origin: germline. Affected: yes.
Comment: This variant is associated with the following publications: (PMID: 28502729)

Color Diagnostics, LLC DBA Color Health
Classification: Likely benign for Hereditary cancer-predisposing syndrome. Last evaluated: 2017-01-22. Review status: criteria provided, single submitter. Criteria: ACMG Guidelines, 2015. Collection method: clinical testing. Allele origin: germline.

Ambry Genetics
Classification: Likely benign for Hereditary cancer-predisposing syndrome. Last evaluated: 2015-12-16. Review status: criteria provided, single submitter. Criteria: Ambry Variant Classification Scheme 2023. Collection method: clinical testing. Allele origin: germline.

Literature cited by the submitters: PubMed 28502729 (cited by Quest Diagnostics Nichols Institute San Juan Capistrano).

NM_000038.6(APC):c.5670A>G (p.Ser1890=)

Gene: APC (APC regulator of Wnt signaling pathway; plus strand). Cytogenetic location: 5q22.2.
Variant type: single nucleotide variant.
Coding change: c.5670A>G on transcript NM_000038.6 (MANE Select); coding-DNA position 5670, A replaced by G.
Protein change: p.Ser1890=; no amino-acid change (serine 1890 retained).
Molecular consequence: synonymous variant.
Genome position (GRCh38, 1-based): chr5:112,841,264, A>G. VCF-style: chr5-112841264-A-G. GRCh37 (hg19) VCF-style: chr5-112176961-A-G.
Other names: c.5670A>G, p.Ser1890= (NM_001127510.3, NM_001354895.2); c.5616A>G, p.Ser1872= (NM_001127511.3); c.5724A>G, p.Ser1908= (NM_001354896.2); c.5700A>G, p.Ser1900= (NM_001354897.2); c.5595A>G, p.Ser1865= (NM_001354898.2); c.5586A>G, p.Ser1862= (NM_001354899.2); c.5547A>G, p.Ser1849= (NM_001354900.2); c.5493A>G, p.Ser1831= (NM_001354901.2); and 5 more.
Identifiers: ClinVar variation 470016 (VCV000470016.25), dbSNP rs945185629, ClinGen allele CA125167797.